The following is an entry in ClinVar:

ClinVar aggregate classification (germline): Uncertain significance. Review status: criteria provided, multiple submitters, no conflicts (2 of 4 stars). 2 submissions from 2 submitters: Uncertain significance (2). Last evaluated 2023-02-20.

Conditions:
Dilated cardiomyopathy 1JJ (CMD1JJ). Identifiers: Orphanet 154, MedGen C3808935, MONDO:0014095, OMIM 615235.
Cardiovascular phenotype. Identifiers: MedGen CN230736.

Submissions (2):

Clinical Genomics Laboratory, Stanford Medicine
Classification: Uncertain significance for Dilated cardiomyopathy 1JJ. Last evaluated: 2023-02-20. Review status: criteria provided, single submitter. Criteria: ACMG Guidelines, 2015. Collection method: clinical testing. Allele origin: germline. Observed: 1 variant allele, 1 heterozygote.
Comment: The p.Glu355Asp variant in the LAMA4 gene has not been previously reported in association with disease. This variant was absent from large population databases, including the Genome Aggregation Database. This variant is present in ClinVar (VCV001774885.2). The glutamic acid at position 355 is moderately evolutionarily conserved. Computational tools predict that the p.Glu355Asp variant does not impact protein function; however, the accuracy of in silico algorithms is limited. These data were assessed using the ACMG/AMP variant interpretation guidelines. In summary, the significance of the p.Glu355Asp variant is uncertain. Additional information is needed to resolve the significance of this variant. [ACMG evidence codes used: PM2; BP4]

Ambry Genetics
Classification: Uncertain significance for Cardiovascular phenotype. Last evaluated: 2021-10-13. Review status: criteria provided, single submitter. Criteria: Ambry Variant Classification Scheme 2023. Collection method: clinical testing. Allele origin: germline.
Comment: The p.E348D variant (also known as c.1044A>C), located in coding exon 8 of the LAMA4 gene, results from an A to C substitution at nucleotide position 1044. The glutamic acid at codon 348 is replaced by aspartic acid, an amino acid with highly similar properties. This amino acid position is conserved. In addition, this alteration is predicted to be tolerated by in silico analysis. Since supporting evidence is limited at this time, the clinical significance of this alteration remains unclear.

NM_001105206.3(LAMA4):c.1065A>C (p.Glu355Asp)

Gene: LAMA4 (laminin subunit alpha 4; minus strand). Cytogenetic location: 6q21.
Variant type: single nucleotide variant.
Coding change: c.1065A>C on transcript NM_001105206.3 (MANE Select); coding-DNA position 1065, A replaced by C.
Protein change: p.Glu355Asp; replaces glutamic acid 355 with aspartic acid.
Molecular consequence: missense variant.
Genome position (GRCh38, 1-based): chr6:112,185,249, T>G on the plus strand (A>C on the coding strand, the complement: LAMA4 is on the minus strand). VCF-style: chr6-112185249-T-G. GRCh37 (hg19) VCF-style: chr6-112506451-T-G.
Other names: c.1044A>C, p.Glu348Asp (NM_001105207.3, NM_002290.5); short protein forms E355D, E348D.
Identifiers: ClinVar variation 1774885 (VCV001774885.3), dbSNP rs782001933, ClinGen allele CA365374471.